The following is an entry in ClinVar:

NM_000095.3(COMP):c.364G>T (p.Gly122Cys)

Gene: COMP (cartilage oligomeric matrix protein; minus strand). Cytogenetic location: 19p13.11.
Variant type: single nucleotide variant.
Coding change: c.364G>T on transcript NM_000095.3 (MANE Select); coding-DNA position 364, G replaced by T.
Protein change: p.Gly122Cys; replaces glycine 122 with cysteine.
Molecular consequence: missense variant.
Genome position (GRCh38, 1-based): chr19:18,789,968, C>A on the plus strand (G>T on the coding strand, the complement: COMP is on the minus strand). VCF-style: chr19-18789968-C-A. GRCh37 (hg19) VCF-style: chr19-18900777-C-A.
Other names: short protein forms G122C.
Identifiers: ClinVar variation 3693720 (VCV003693720.2).
Genomic context (GRCh38, chr19:18,789,968, plus strand): 5'-TCGTCAGGGCGGTGGAGTGTCGGGGCTAGCGCACCTCGTTGACGTCGGTGCAGTGCGAGC[C>A]GTTGCCCGTGAAGCCCGCGGGGCAGGGGCCGCAGCGCGCGCCGCTCTCCGTCTGGATGCA-3'
Protein context (NP_000086.2, residues 112-132): GPCPAGFTGN[Gly122Cys]SHCTDVNECN

ClinVar aggregate classification (germline): Uncertain significance (1 of 4 stars; one submission).

gnomAD v4.1: 1 of 1,595,226 alleles (0.000063%); highest among the groups gnomAD compares: African/African-American, 0.0013%; no homozygotes.

Submission:

Labcorp Genetics (formerly Invitae), Labcorp
Classification: Uncertain significance. Last evaluated: 2024-03-28. Review status: criteria provided, single submitter. Criteria: Invitae Variant Classification Sherloc (09022015). Collection method: clinical testing. Allele origin: germline.
Comment: This sequence change replaces glycine, which is neutral and non-polar, with cysteine, which is neutral and slightly polar, at codon 122 of the COMP protein (p.Gly122Cys). This variant is not present in population databases (gnomAD no frequency). This variant has not been reported in the literature in individuals affected with COMP-related conditions. Advanced modeling of protein sequence and biophysical properties (such as structural, functional, and spatial information, amino acid conservation, physicochemical variation, residue mobility, and thermodynamic stability) performed at Invitae indicates that this missense variant is expected to disrupt COMP protein function with a positive predictive value of 80%. In summary, the available evidence is currently insufficient to determine the role of this variant in disease. Therefore, it has been classified as a Variant of Uncertain Significance.